The following is an entry in ClinVar:

ClinVar aggregate classification (germline): Uncertain significance (1 of 4 stars; one submission).

Submission:

GeneDx
Classification: Uncertain significance. Last evaluated: 2015-10-04. Review status: criteria provided, single submitter. Criteria: GeneDx Variant Classification (06012015). Collection method: clinical testing. Allele origin: germline. Affected: yes.
Comment: The I2445N variant in the ATRX gene has not been published as a pathogenic variant, nor has it been reported as a benign polymorphism to our knowledge. The I2445N variant was not observed in approximately 6,500 individuals of European and African American ancestry in the NHLBI Exome Sequencing Project, indicating it is not a common benign variant in these populations. The I2445N variant is a non-conservative amino acid substitution, which is likely to impact secondary protein structure as these residues differ in polarity, charge, size and/or other properties. This substitution occurs at a position that is conserved across species, and in silico analysis predicts this variant is probably damaging to the protein structure/function. We interpret I2445N as a variant of uncertain significance.

NM_000489.6(ATRX):c.7334T>A (p.Ile2445Asn)

Gene: ATRX (ATRX chromatin remodeler; minus strand). Cytogenetic location: Xq21.1.
Variant type: single nucleotide variant.
Coding change: c.7334T>A on transcript NM_000489.6 (MANE Select); coding-DNA position 7334, T replaced by A.
Protein change: p.Ile2445Asn; replaces isoleucine 2445 with asparagine.
Molecular consequence: missense variant.
Genome position (GRCh38, 1-based): chrX:77,508,496, A>T on the plus strand (T>A on the coding strand, the complement: ATRX is on the minus strand). VCF-style: chrX-77508496-A-T. GRCh37 (hg19) VCF-style: chrX-76763974-A-T.
Other names: c.7220T>A, p.Ile2407Asn (NM_138270.5); short protein forms I2445N, I2407N.
Identifiers: ClinVar variation 381007 (VCV000381007.2), dbSNP rs1057520923, ClinGen allele CA16608989.